The following is an entry in ClinVar:

ClinVar aggregate classification (germline): Likely pathogenic (1 of 4 stars; one submission).

Conditions:
Hypogonadotropic hypogonadism 2 with or without anosmia (HH2). Also called: FGFR1-Related GnRH Deficiency (Kallmann Syndrome 2); HYPOGONADOTROPIC HYPOGONADISM 2 WITH OR WITHOUT ANOSMIA, SUSCEPTIBILITY TO; HYPOGONADOTROPIC HYPOGONADISM 2 WITHOUT ANOSMIA, SUSCEPTIBILITY TO; HYPOGONADOTROPIC HYPOGONADISM 2 WITHOUT ANOSMIA. Identifiers: Orphanet 478, MedGen C1563720, MONDO:0007844, OMIM 147950. Disease mechanism: loss of function.
Pfeiffer syndrome (ACS5). Also called: ACS V. Identifiers: Orphanet 710, MedGen C0220658, MONDO:0007043, OMIM 101600.

Submission:

Labcorp Genetics (formerly Invitae), Labcorp
Classification: Likely pathogenic for Pfeiffer syndrome; Hypogonadotropic hypogonadism 2 with or without anosmia. Last evaluated: 2025-05-14. Review status: criteria provided, single submitter. Criteria: Invitae Variant Classification Sherloc (09022015). Collection method: clinical testing. Allele origin: germline.
Comment: This sequence change replaces proline, which is neutral and non-polar, with leucine, which is neutral and non-polar, at codon 745 of the FGFR1 protein (p.Pro745Leu). This variant is not present in population databases (gnomAD no frequency). This missense change has been observed in individual(s) with clinical features of Kallmann syndrome (internal data). ClinVar contains an entry for this variant (Variation ID: 2952329). Invitae Evidence Modeling of protein sequence and biophysical properties (such as structural, functional, and spatial information, amino acid conservation, physicochemical variation, residue mobility, and thermodynamic stability) indicates that this missense variant is expected to disrupt FGFR1 protein function with a positive predictive value of 80%. This variant disrupts the p.Pro745 amino acid residue in FGFR1. Other variant(s) that disrupt this residue have been determined to be pathogenic (PMID: 15001591, 20696889, 29419413, 32724172). This suggests that this residue is clinically significant, and that variants that disrupt this residue are likely to be disease-causing. In summary, the currently available evidence indicates that the variant is pathogenic, but additional data are needed to prove that conclusively. Therefore, this variant has been classified as Likely Pathogenic.

Literature cited by the submitters: PubMed 15001591; PubMed 20696889; PubMed 29419413; PubMed 32724172.

NM_023110.3(FGFR1):c.2234C>T (p.Pro745Leu)

Gene: FGFR1 (fibroblast growth factor receptor 1; minus strand). Cytogenetic location: 8p11.23.
Variant type: single nucleotide variant.
Coding change: c.2234C>T on transcript NM_023110.3 (MANE Select); coding-DNA position 2234, C replaced by T.
Protein change: p.Pro745Leu; replaces proline 745 with leucine.
Molecular consequence: missense variant.
Genome position (GRCh38, 1-based): chr8:38,413,976, G>A on the plus strand (C>T on the coding strand, the complement: FGFR1 is on the minus strand). VCF-style: chr8-38413976-G-A. GRCh37 (hg19) VCF-style: chr8-38271494-G-A.
Other names: c.2234C>T, p.Pro745Leu (NM_000604.2); c.2228C>T, p.Pro743Leu (NM_001174063.2, NM_001174065.2, NM_001354367.2 and 1 more transcripts); c.2204C>T, p.Pro735Leu (NM_001174064.2); c.1967C>T, p.Pro656Leu (NM_001174066.2, NM_023105.3); c.2327C>T, p.Pro776Leu (NM_001174067.2); c.1955C>T, p.Pro652Leu (NM_001354368.2); c.2222C>T, p.Pro741Leu (NM_001354369.2, NM_001410922.1); c.1961C>T, p.Pro654Leu (NM_001354370.2, NM_023106.3); short protein forms P652L, P656L, P776L, P743L, P745L, P654L, P735L, P741L.
Identifiers: ClinVar variation 2952329 (VCV002952329.3), dbSNP rs2536775609, ClinGen allele CA370727979.